The following is an entry in ClinVar:

NM_015107.3(PHF8):c.1580C>T (p.Thr527Ile)

Gene: PHF8 (PHD finger protein 8; minus strand). Cytogenetic location: Xp11.22.
Variant type: single nucleotide variant.
Coding change: c.1580C>T on transcript NM_015107.3 (MANE Select); coding-DNA position 1580, C replaced by T.
Protein change: p.Thr527Ile; replaces threonine 527 with isoleucine.
Molecular consequence: missense variant. On other transcripts: intron variant (1).
Genome position (GRCh38, 1-based): chrX:53,993,647, G>A on the plus strand (C>T on the coding strand, the complement: PHF8 is on the minus strand). VCF-style: chrX-53993647-G-A. GRCh37 (hg19) VCF-style: chrX-54020080-G-A.
Other names: c.1688C>T, p.Thr563Ile (NM_001184896.1); c.1580C>T, p.Thr527Ile (NM_001184898.2); c.1324-808C>T (NM_001184897.2); short protein forms T527I, T563I.
Identifiers: ClinVar variation 2660646 (VCV002660646.24), dbSNP rs1557101996, ClinGen allele CA413257231.

ClinVar aggregate classification (germline): Uncertain significance (1 of 4 stars; one submission).

Allele frequency attached by ClinVar (database versions not stated): gnomAD 0.00001; gnomAD exomes 0.00001.
gnomAD v4.1: 16 of 1,209,950 alleles (0.0013%); highest among the groups gnomAD compares: Non-Finnish European, 0.0018%; no homozygotes.

Submission:

CeGaT Center for Human Genetics Tuebingen
Classification: Uncertain significance. Last evaluated: 2023-05-01. Review status: criteria provided, single submitter. Criteria: CeGaT Center For Human Genetics Tuebingen Variant Classification Criteria Version 2. Collection method: clinical testing. Allele origin: germline. Affected: yes. Observed: 1 variant allele.
Comment: PHF8: PP2, BP4